The following is an entry in ClinVar:

NM_001278716.2(FBXL4):c.1745A>G (p.Glu582Gly)

Gene: FBXL4 (F-box and leucine rich repeat protein 4; minus strand). Cytogenetic location: 6q16.1.
Variant type: single nucleotide variant.
Coding change: c.1745A>G on transcript NM_001278716.2 (MANE Select); coding-DNA position 1745, A replaced by G.
Protein change: p.Glu582Gly; replaces glutamic acid 582 with glycine.
Molecular consequence: missense variant. On other transcripts: non-coding transcript variant (1).
Genome position (GRCh38, 1-based): chr6:98,874,399, T>C on the plus strand (A>G on the coding strand, the complement: FBXL4 is on the minus strand). VCF-style: chr6-98874399-T-C. GRCh37 (hg19) VCF-style: chr6-99322275-T-C.
Other names: c.1745A>G, p.Glu582Gly (NM_012160.5); short protein forms E582G.
Identifiers: ClinVar variation 437807 (VCV000437807.1), dbSNP rs774709441, ClinGen allele CA3933350.

ClinVar aggregate classification (germline): Uncertain significance (1 of 4 stars; one submission).

Conditions:
Mitochondrial DNA depletion syndrome 13. Also called: FBXL4-Related Encephalomyopathic Mitochondrial DNA Depletion Syndrome; Mitochondrial DNA depletion syndrome 13 (encephalomyopathic type). Identifiers: Orphanet 369897, MedGen C3809592, MONDO:0014198, OMIM 615471.

gnomAD v4.1: 5 of 1,611,468 alleles (0.00031%); highest among the groups gnomAD compares: Non-Finnish European, 0.00042%; no homozygotes.

Submission:

Wong Mito Lab, Molecular and Human Genetics, Baylor College of Medicine
Classification: Uncertain significance for Mitochondrial DNA depletion syndrome 13. Last evaluated: 2017-08-10. Review status: criteria provided, single submitter. Criteria: ACMG Guidelines, 2015. Collection method: reference population. Allele origin: germline.
Comment: The NM_012160.4:c.1745A>G (NP_036292.2:p.Glu582Gly) [GRCH38: NC_000006.12:g.98874399T>C] variant in FBXL4 gene is interpretated to be a Uncertain Significance - Conflicting Evidence based on ACMG guidelines (PMID: 25741868). This variant meets one or more of the following evidence codes reported in the ACMG-guideline. PM2:This variant is absent in key population databases. BP4:Computational evidence/predictors indicate no impact on the FBXL4 structure, function, or protein-protein interaction. Based on this evidence code ClinGen Pathogenicity Calculator (PMID:28081714) suggested that the variant is Uncertain Significance - Conflicting Evidence.